The following is an entry in ClinVar:

NM_177438.3(DICER1):c.3540del (p.Ser1179_Tyr1180insTer)

Gene: DICER1 (dicer 1, ribonuclease III; minus strand). Cytogenetic location: 14q32.13.
Variant type: Deletion.
Coding change: c.3540del on transcript NM_177438.3 (MANE Select); coding-DNA position 3540, one base deleted (C; older notation c.3540delC).
Protein change: p.Ser1179_Tyr1180insTer.
Molecular consequence: nonsense. On other transcripts: frameshift variant (1), non-coding transcript variant (6).
Genome position (GRCh38, 1-based): chr14:95,103,856, G deleted on the plus strand (C on the coding strand, the reverse complement: DICER1 is on the minus strand). VCF-style (leftmost placement, unchanged base first): chr14-95103855-TG-T. GRCh37 (hg19) VCF-style: chr14-95570192-TG-T.
Other names: c.3540del, p.Ser1179_Tyr1180insTer (NM_001195573.1, NM_001271282.3, NM_001291628.2 and 12 more transcripts); c.3540delC, p.Tyr1180Terfs (NM_001395681.1); c.3258del, p.Ser1085_Tyr1086insTer (NM_001395686.1); c.3135del, p.Ser1044_Tyr1045insTer (NM_001395687.1, NM_001395688.1, NM_001395689.1 and 2 more transcripts); c.2973del, p.Ser990_Tyr991insTer (NM_001395691.1); c.1857del, p.Ser618_Tyr619insTer (NM_001395697.1).
Identifiers: ClinVar variation 1732467 (VCV001732467.2), dbSNP rs2542709383, ClinGen allele CA2580088979.

ClinVar aggregate classification (germline): Pathogenic (1 of 4 stars; one submission).

Conditions:
Hereditary cancer-predisposing syndrome. Also called: Neoplastic Syndromes, Hereditary; Tumor predisposition; Hereditary Cancer Syndrome; Hereditary neoplastic syndrome. Identifiers: Orphanet 140162, MedGen C0027672, MeSH D009386, MONDO:0015356.

Submission:

Ambry Genetics
Classification: Pathogenic for Hereditary cancer-predisposing syndrome. Last evaluated: 2017-11-03. Review status: criteria provided, single submitter. Criteria: Ambry Variant Classification Scheme 2023. Collection method: clinical testing. Allele origin: germline.
Comment: The c.3540delC pathogenic mutation, located in coding exon 20 of the DICER1 gene, results from a deletion of one nucleotide at nucleotide position 3540, causing a translational frameshift with a predicted alternate stop codon (p.Y1180*). This alteration is expected to result in loss of function by premature protein truncation or nonsense-mediated mRNA decay. As such, this alteration is interpreted as a disease-causing mutation.